The following is an entry in ClinVar:

NM_001035.3(RYR2):c.372C>G (p.Ser124=)

Gene: RYR2 (ryanodine receptor 2; plus strand). Cytogenetic location: 1q43.
Variant type: single nucleotide variant.
Coding change: c.372C>G on transcript NM_001035.3 (MANE Select); coding-DNA position 372, C replaced by G.
Protein change: p.Ser124=; no amino-acid change (serine 124 retained).
Molecular consequence: synonymous variant.
Genome position (GRCh38, 1-based): chr1:237,369,596, C>G. VCF-style: chr1-237369596-C-G. GRCh37 (hg19) VCF-style: chr1-237532896-C-G.
Identifiers: ClinVar variation 752615 (VCV000752615.13), dbSNP rs1478989523, ClinGen allele CA423862220.
Genomic context (GRCh38, chr1:237,369,596, plus strand): 5'-TGCTCAAGGTGGTGGTCATCGAACACTCCTCTACGGACATGCCATATTGCTGCGCCATTC[C>G]TATAGTGGCATGGTGAGTAGGCATTTGATTTCATCTCCCTGTGGTCATGCTGATCCATTT-3'
Protein context (NP_001026.2, residues 114-134): LYGHAILLRH[Ser124=]YSGMYLCCLS

ClinVar aggregate classification (germline): Likely benign. Review status: criteria provided, multiple submitters, no conflicts (2 of 4 stars). 3 submissions from 3 submitters: Likely benign (3). Last evaluated 2026-02-02.

Conditions:
Catecholaminergic polymorphic ventricular tachycardia 1. Also called: RYR2-Related Catecholaminergic Polymorphic Ventricular Tachycardia; VENTRICULAR TACHYCARDIA, STRESS-INDUCED POLYMORPHIC 1; VENTRICULAR TACHYCARDIA, CATECHOLAMINERGIC POLYMORPHIC, 1, WITH OR WITHOUT ATRIAL DYSFUNCTION AND/OR DILATED CARDIOMYOPATHY. Identifiers: Orphanet 3286, MedGen C1631597, MONDO:0011484, OMIM 604772.
Catecholaminergic polymorphic ventricular tachycardia (CVPT). Also called: Catecholamine-induced polymorphic ventricular tachycardia. Identifiers: Orphanet 3286, MedGen C5574922, MONDO:0017990.
Cardiomyopathy (CMYO). Also called: Cardiomyopathies. Identifiers: Orphanet 167848, MedGen C0878544, MONDO:0004994, HP:0001638. Inheritance: Various modes of inheritance.

Allele frequency attached by ClinVar (database versions not stated): TOPMed below 0.00001; gnomAD exomes 0.00001 and 0.00002.
gnomAD v4.1: 3 of 1,560,980 alleles (0.00019%); highest among the groups gnomAD compares: Admixed American, 0.0057%; no homozygotes.

Submissions (3):

Labcorp Genetics (formerly Invitae), Labcorp
Classification: Likely benign for Catecholaminergic polymorphic ventricular tachycardia 1. Last evaluated: 2026-02-02. Review status: criteria provided, single submitter. Criteria: Invitae Variant Classification Sherloc (09022015). Collection method: clinical testing. Allele origin: germline.

All of Us Research Program, National Institutes of Health
Classification: Likely benign for Catecholaminergic polymorphic ventricular tachycardia. Last evaluated: 2024-02-05. Review status: criteria provided, single submitter. Criteria: ACMG Guidelines, 2015. Collection method: clinical testing. Allele origin: germline. Inheritance: Autosomal dominant inheritance. Observed: 1 variant allele, 1 heterozygote.
Comment: This study involves interpretation of variants in research participants for the purpose of population health screening. Participant phenotype was not available at the time of variant classification. Additional details can be found in publication PMID: 35346344, PMCID: PMC8962531

Color Diagnostics, LLC DBA Color Health
Classification: Likely benign for Cardiomyopathy. Last evaluated: 2019-04-14. Review status: criteria provided, single submitter. Criteria: ACMG Guidelines, 2015. Collection method: clinical testing. Allele origin: germline.